The following is an entry in ClinVar:

ClinVar aggregate classification (germline): Uncertain significance. Review status: criteria provided, multiple submitters, no conflicts (2 of 4 stars). 2 submissions from 2 submitters: Uncertain significance (2). Last evaluated 2025-05-15.

Allele frequency attached by ClinVar (database versions not stated): TOPMed below 0.00001.
gnomAD v4.1: 2 of 1,018,778 alleles (0.0002%); highest among the groups gnomAD compares: Non-Finnish European, 0.00023%; no homozygotes.

Submissions (2):

Ambry Genetics
Classification: Uncertain significance. Last evaluated: 2025-05-15. Review status: criteria provided, single submitter. Criteria: Ambry Variant Classification Scheme 2023. Collection method: clinical testing. Allele origin: germline.

Labcorp Genetics (formerly Invitae), Labcorp
Classification: Uncertain significance. Last evaluated: 2024-10-02. Review status: criteria provided, single submitter. Criteria: Invitae Variant Classification Sherloc (09022015). Collection method: clinical testing. Allele origin: germline.
Comment: This sequence change replaces arginine, which is basic and polar, with cysteine, which is neutral and slightly polar, at codon 6 of the ADGRA3 protein (p.Arg6Cys). The frequency data for this variant in the population databases is considered unreliable, as metrics indicate insufficient coverage at this position in the gnomAD database. This variant has not been reported in the literature in individuals affected with ADGRA3-related conditions. ClinVar contains an entry for this variant (Variation ID: 1474293). Experimental studies and prediction algorithms are not available or were not evaluated, and the functional significance of this variant is currently unknown. In summary, the available evidence is currently insufficient to determine the role of this variant in disease. Therefore, it has been classified as a Variant of Uncertain Significance.

NM_145290.4(ADGRA3):c.16C>T (p.Arg6Cys)

Gene: ADGRA3 (adhesion G protein-coupled receptor A3; minus strand). Cytogenetic location: 4p15.2.
Variant type: single nucleotide variant.
Coding change: c.16C>T on transcript NM_145290.4 (MANE Select); coding-DNA position 16, C replaced by T.
Protein change: p.Arg6Cys; replaces arginine 6 with cysteine.
Molecular consequence: missense variant.
Genome position (GRCh38, 1-based): chr4:22,515,769, G>A on the plus strand (C>T on the coding strand, the complement: ADGRA3 is on the minus strand). VCF-style: chr4-22515769-G-A. GRCh37 (hg19) VCF-style: chr4-22517392-G-A.
Other names: c.16C>T (NM_145290.2); short protein forms R6C.
Identifiers: ClinVar variation 1474293 (VCV001474293.7), dbSNP rs1719644124, ClinGen allele CA356508008.